The following is an entry in ClinVar:

NM_025137.4(SPG11):c.2068-4C>T

Gene: SPG11 (SPG11 vesicle trafficking associated, spatacsin; minus strand). Cytogenetic location: 15q21.1.
Variant type: single nucleotide variant.
Coding change: c.2068-4C>T on transcript NM_025137.4 (MANE Select); 4 bases into the intron before coding-DNA position 2068, C replaced by T.
Molecular consequence: intron variant.
Genome position (GRCh38, 1-based): chr15:44,626,511, G>A on the plus strand (C>T on the coding strand, the complement: SPG11 is on the minus strand). VCF-style: chr15-44626511-G-A. GRCh37 (hg19) VCF-style: chr15-44918709-G-A.
Other names: c.2068-4C>T (NM_001160227.2).
Identifiers: ClinVar variation 1160358 (VCV001160358.12), dbSNP rs774288495, ClinGen allele CA7535349.

ClinVar aggregate classification (germline): Conflicting classifications of pathogenicity. Review status: criteria provided, conflicting classifications (1 of 4 stars). 3 submissions from 3 submitters: Uncertain significance (1); Likely benign (2). Last evaluated 2026-02-04.

Conditions:
SPG11-related disorder. Also called: SPG11-related condition.
Hereditary spastic paraplegia 11. Also called: Spastic paraplegia, mental retardation and thin corpus callosum; Spastic Paraplegia 11; Nakamura Osame syndrome; Autosomal recessive hereditary spastic paraplegia, mental impairment, and thin corpus callosum; SPASTIC PARAPLEGIA, AUTOSOMAL RECESSIVE, COMPLICATED, WITH THIN CORPUS CALLOSUM; SPASTIC PARAPLEGIA, AUTOSOMAL RECESSIVE, WITH MENTAL IMPAIRMENT AND THIN CORPUS CALLOSUM. Identifiers: Orphanet 2822, MedGen C1858479, MONDO:0011445, OMIM 604360.
Inborn genetic diseases. Identifiers: MedGen C0950123, MeSH D030342.

Allele frequency attached by ClinVar (database versions not stated): ExAC 0.00001; gnomAD exomes 0.00001 and 0.00002; gnomAD 0.00003 and 0.00004; TOPMed 0.00003.
gnomAD v4.1: 34 of 1,613,146 alleles (0.0021%); highest among the groups gnomAD compares: Non-Finnish European, 0.0027%; no homozygotes.

Submissions (3):

Labcorp Genetics (formerly Invitae), Labcorp
Classification: Likely benign for Hereditary spastic paraplegia 11. Last evaluated: 2026-02-04. Review status: criteria provided, single submitter. Criteria: Invitae Variant Classification Sherloc (09022015). Collection method: clinical testing. Allele origin: germline.

PreventionGenetics, part of Exact Sciences
Classification: Likely benign for SPG11-related condition. Last evaluated: 2025-06-19. Review status: criteria provided, single submitter. Criteria: ACMG Guidelines, 2015. Collection method: clinical testing. Allele origin: germline.
Comment: This variant is classified as likely benign based on ACMG/AMP sequence variant interpretation guidelines (Richards et al. 2015 PMID: 25741868, with internal and published modifications).

Ambry Genetics
Classification: Uncertain significance for Inborn genetic diseases. Last evaluated: 2020-07-21. Review status: criteria provided, single submitter. Criteria: Ambry Variant Classification Scheme 2023. Collection method: clinical testing. Allele origin: germline.
Comment: The c.2068-4C>T intronic variant results from a C to T substitution 4 nucleotides upstream from coding exon 11 in the SPG11 gene. This nucleotide position is not well conserved in available vertebrate species. In silico splice site analysis predicts that this alteration will not have any significant effect on splicing. Since supporting evidence is limited at this time, the clinical significance of this alteration remains unclear.